The following is an entry in ClinVar:

NM_004329.3(BMPR1A):c.431-1G>A

Gene: BMPR1A (bone morphogenetic protein receptor type 1A; plus strand). Cytogenetic location: 10q23.2.
Variant type: single nucleotide variant.
Coding change: c.431-1G>A on transcript NM_004329.3 (MANE Select); the canonical splice acceptor site of the intron before coding-DNA position 431, G replaced by A.
Molecular consequence: splice acceptor variant. On other transcripts: intron variant (1).
Genome position (GRCh38, 1-based): chr10:86,900,026, G>A. VCF-style: chr10-86900026-G-A. GRCh37 (hg19) VCF-style: chr10-88659783-G-A.
Other names: c.431-1G>A (NM_001406582.1, NM_001406570.1, NM_001406565.1 and 22 more transcripts); c.347-1G>A (NM_001406584.1, NM_001406588.1, NM_001406587.1 and 2 more transcripts); c.333+7797G>A (NM_001406589.1).
Identifiers: ClinVar variation 2136906 (VCV002136906.4), dbSNP rs2539493292, ClinGen allele CA377450025.

ClinVar aggregate classification (germline): Likely pathogenic (1 of 4 stars; one submission).

Conditions:
Juvenile polyposis syndrome (JPS). Identifiers: Orphanet 2929, MedGen C0345893, MONDO:0017380, OMIM 174900.

Submission:

Labcorp Genetics (formerly Invitae), Labcorp
Classification: Likely pathogenic for Juvenile polyposis syndrome. Last evaluated: 2022-09-27. Review status: criteria provided, single submitter. Criteria: Invitae Variant Classification Sherloc (09022015). Collection method: clinical testing. Allele origin: germline.
Comment: In summary, the currently available evidence indicates that the variant is pathogenic, but additional data are needed to prove that conclusively. Therefore, this variant has been classified as Likely Pathogenic. Algorithms developed to predict the effect of sequence changes on RNA splicing suggest that this variant may disrupt the consensus splice site. This variant is also known as IVS4-1G>A. Disruption of this splice site has been observed in individual(s) with juvenile polyposis syndrome (PMID: 16436638). This variant is not present in population databases (gnomAD no frequency). This sequence change affects an acceptor splice site in intron 6 of the BMPR1A gene. It is expected to disrupt RNA splicing. Variants that disrupt the donor or acceptor splice site typically lead to a loss of protein function (PMID: 16199547), and loss-of-function variants in BMPR1A are known to be pathogenic (PMID: 11536076, 12417513).

Literature cited by the submitters: PubMed 16436638; PubMed 16199547; PubMed 11536076; PubMed 12417513.